The following is an entry in ClinVar:

ClinVar aggregate classification (germline): Likely pathogenic (1 of 4 stars; one submission).

Conditions:
Hereditary cancer-predisposing syndrome. Also called: Neoplastic Syndromes, Hereditary; Hereditary Cancer Syndrome; Hereditary neoplastic syndrome; Tumor predisposition. Identifiers: Orphanet 140162, MedGen C0027672, MeSH D009386, MONDO:0015356.

Submission:

Labcorp Genetics (formerly Invitae), Labcorp
Classification: Likely pathogenic for Hereditary cancer-predisposing syndrome. Last evaluated: 2021-09-29. Review status: criteria provided, single submitter. Criteria: Invitae Variant Classification Sherloc (09022015). Collection method: clinical testing. Allele origin: germline.
Comment: This sequence change affects an acceptor splice site in intron 2 of the RAD50 gene. It is expected to disrupt RNA splicing and likely results in an absent or disrupted protein product. This variant is not present in population databases (ExAC no frequency). This variant has not been reported in the literature in individuals with RAD50-related conditions. Algorithms developed to predict the effect of sequence changes on RNA splicing suggest that this variant may disrupt the consensus splice site, but this prediction has not been confirmed by published transcriptional studies. Donor and acceptor splice site variants typically lead to a loss of protein function (PMID: 16199547), and loss-of-function variants in RAD50 are known to be pathogenic (PMID: 16385572, 19409520). In summary, the currently available evidence indicates that the variant is pathogenic, but additional data are needed to prove that conclusively. Therefore, this variant has been classified as Likely Pathogenic.

Literature cited by the submitters: PubMed 16199547; PubMed 16385572; PubMed 19409520.

NM_005732.4(RAD50):c.214-2A>T

Gene: RAD50 (RAD50 double strand break repair protein; plus strand). Cytogenetic location: 5q31.1.
Variant type: single nucleotide variant.
Coding change: c.214-2A>T on transcript NM_005732.4 (MANE Select); the canonical splice acceptor site of the intron before coding-DNA position 214, A replaced by T.
Molecular consequence: splice acceptor variant.
Genome position (GRCh38, 1-based): chr5:132,575,775, A>T. VCF-style: chr5-132575775-A-T. GRCh37 (hg19) VCF-style: chr5-131911467-A-T.
Identifiers: ClinVar variation 934554 (VCV000934554.8), dbSNP rs1750384287, ClinGen allele CA360930000.